The following is an entry in ClinVar:

GRCh37/hg19 9p24.3(chr9:635338-685819)x1

Gene: KANK1 (KN motif and ankyrin repeat domains 1; plus strand). Cytogenetic location: 9p24.3.
Variant type: copy number loss.
Change: copy number 1 (one copy instead of two) of chr9:635,338-685,819 (50.5 kb, GRCh37 coordinates, 1-based), cytogenetic band 9p24.3.
Identifiers: ClinVar variation 442225 (VCV000442225.2).

ClinVar aggregate classification (germline): conflicting data from submitters (0 of 4 stars; one submission).

Submission:

ISCA site 1
Classification: conflicting data from submitters. Last evaluated: 2016-02-29. Review status: no assertion criteria provided. Collection method: clinical testing. Allele origin: de novo, unknown. Affected: yes. Observed: 2 variant alleles.
Comment: Pathogenic(1), Uncertain significance(1)

Copy number variation identified through the course of routine clinical cytogenomic testing in postnatal populations, with clinical assertions as classified by the original submitter. For data from the original published study, Kaminsky, et al. 2011 (PubMed 21844811), please see nstd101.